The following is an entry in ClinVar:

ClinVar aggregate classification (germline): Uncertain significance (1 of 4 stars; one submission).

Submission:

GeneDx
Classification: Uncertain significance. Last evaluated: 2025-03-04. Review status: criteria provided, single submitter. Criteria: GeneDx Variant Classification Process June 2021. Collection method: clinical testing. Allele origin: germline. Affected: yes.
Comment: Not observed at significant frequency in large population cohorts (gnomAD); Missense variant in a gene in which most reported pathogenic variants are truncating/loss of function; Has not been previously published as pathogenic or benign to our knowledge

NM_001267550.2(TTN):c.67000T>G (p.Leu22334Val)

Genes: TTN (titin; minus strand), TTN-AS1 (TTN antisense RNA 1; plus strand). Cytogenetic location: 2q31.2.
Variant type: single nucleotide variant.
Coding change: c.67000T>G on transcript NM_001267550.2 (MANE Select); coding-DNA position 67000, T replaced by G.
Protein change: p.Leu22334Val; replaces leucine 22334 with valine.
Molecular consequence: missense variant.
Genome position (GRCh38, 1-based): chr2:178,580,379, A>C on the plus strand (T>G on the coding strand, the complement: TTN is on the minus strand). VCF-style: chr2-178580379-A-C. GRCh37 (hg19) VCF-style: chr2-179445106-A-C.
Other names: c.62077T>G, p.Leu20693Val (NM_001256850.1); c.39805T>G, p.Leu13269Val (NM_003319.4); c.59296T>G, p.Leu19766Val (NM_133378.4); c.40180T>G, p.Leu13394Val (NM_133432.3); c.40381T>G, p.Leu13461Val (NM_133437.4); short protein forms L13269V, L13394V, L13461V, L19766V, L20693V, L22334V.
Identifiers: ClinVar variation 3602183 (VCV003602183.2).
Genomic context (GRCh38, chr2:178,580,379, plus strand): 5'-TACCAAGCACTTTCACAACAATGGTATATTCCTTTTTACCACAGCTGTTCTCCAGGGTTA[A>C]GATATATTTTCCTGCATCATATTTGTTCACATTTTCACAGCGCAAGAAAGTGTCAAAGTC-3'
Protein context (NP_001254479.2, residues 22324-22344): VNKYDAGKYI[Leu22334Val]TLENSCGKKE